The following is an entry in ClinVar:

ClinVar aggregate classification (germline): Likely benign. Review status: criteria provided, multiple submitters, no conflicts (2 of 4 stars). 3 submissions from 3 submitters: Likely benign (2). 1 of the submissions does not count toward it. Last evaluated 2024-11-05.

Conditions:
HOXA11-related disorder. Also called: HOXA11-related condition.

Allele frequency attached by ClinVar (database versions not stated): 1000 Genomes Project 0.00100; 1000 Genomes Project 30x 0.00125.

Submissions (3):

Women's Health and Genetics/Laboratory Corporation of America, LabCorp
Classification: Likely benign. Last evaluated: 2024-11-05. Review status: criteria provided, single submitter. Criteria: LabCorp Variant Classification Summary - May 2015. Collection method: clinical testing. Allele origin: germline.
Comment: Variant summary: HOXA11 c.609G>T alters a non-conserved nucleotide resulting in a synonymous change. Consensus agreement among computation tools predict no significant impact on normal splicing. However, these predictions have yet to be confirmed by functional studies. The variant allele was found at a frequency of 7.3e-05 in 110232 control chromosomes. The available data on variant occurrences in the general population are insufficient to allow any conclusion about variant significance. To our knowledge, no occurrence of c.609G>T in individuals affected with Radioulnar Synostosis With Amegakaryocytic Thrombocytopenia 1 and no experimental evidence demonstrating its impact on protein function have been reported. ClinVar contains an entry for this variant (Variation ID: 3050064). Based on the evidence outlined above, the variant was classified as likely benign.

Blueprint Genetics
Classification: Likely benign. Last evaluated: 2021-06-29. Review status: criteria provided, single submitter. Criteria: ACMG Guidelines, 2015. Collection method: clinical testing. Allele origin: germline.

PreventionGenetics, part of Exact Sciences
Classification: Likely benign for HOXA11-related condition. Last evaluated: 2019-11-26. Review status: no assertion criteria provided. Collection method: clinical testing. Allele origin: germline. Not counted in ClinVar's aggregate classification.
Comment: This variant is classified as likely benign based on ACMG/AMP sequence variant interpretation guidelines (Richards et al. 2015 PMID: 25741868, with internal and published modifications).

NM_005523.6(HOXA11):c.609G>T (p.Thr203=)

Genes: HOXA11 (homeobox A11; minus strand), LOC107126281 (NUP98-HOXA11 recombination region; plus strand). Cytogenetic location: 7p15.2.
Variant type: single nucleotide variant.
Coding change: c.609G>T on transcript NM_005523.6 (MANE Select); coding-DNA position 609, G replaced by T.
Protein change: p.Thr203=; no amino-acid change (threonine 203 retained).
Molecular consequence: synonymous variant.
Genome position (GRCh38, 1-based): chr7:27,184,536, C>A on the plus strand (G>T on the coding strand, the complement: HOXA11 is on the minus strand). VCF-style: chr7-27184536-C-A. GRCh37 (hg19) VCF-style: chr7-27224155-C-A.
Identifiers: ClinVar variation 3050064 (VCV003050064.4), dbSNP rs553990793, ClinGen allele CA4198379.